The following is an entry in ClinVar:

ClinVar aggregate classification (germline): Uncertain significance (1 of 4 stars; one submission).

Submission:

GeneDx
Classification: Uncertain significance. Last evaluated: 2023-05-20. Review status: criteria provided, single submitter. Criteria: GeneDx Variant Classification Process June 2021. Collection method: clinical testing. Allele origin: germline. Affected: yes.
Comment: Not observed at significant frequency in large population cohorts (gnomAD); In silico analysis supports that this missense variant has a deleterious effect on protein structure/function; Has not been previously published as pathogenic or benign to our knowledge

NM_015884.4(MBTPS2):c.1397T>C (p.Leu466Ser)

Gene: MBTPS2 (membrane bound transcription factor peptidase, site 2; plus strand). Cytogenetic location: Xp22.12.
Variant type: single nucleotide variant.
Coding change: c.1397T>C on transcript NM_015884.4 (MANE Select); coding-DNA position 1397, T replaced by C.
Protein change: p.Leu466Ser; replaces leucine 466 with serine.
Molecular consequence: missense variant.
Genome position (GRCh38, 1-based): chrX:21,882,492, T>C. VCF-style: chrX-21882492-T-C. GRCh37 (hg19) VCF-style: chrX-21900610-T-C.
Other names: short protein forms L466S.
Identifiers: ClinVar variation 3343637 (VCV003343637.1).
Genomic context (GRCh38, chrX:21,882,492, plus strand): 5'-GGTACCTGATTTCCCTCTCAGGAGCTCTGGCTATTGTTAATGCAGTACCCTGCTTTGCTT[T>C]GGATGGACAATGGATTCTAAACTCTTTCTTGGATGCCACCCTTACCTCAGTGATTGGAGA-3'
Protein context (NP_056968.1, residues 456-476): AIVNAVPCFA[Leu466Ser]DGQWILNSFL